The following is an entry in ClinVar:

ClinVar aggregate classification (germline): Conflicting classifications of pathogenicity. Review status: criteria provided, conflicting classifications (1 of 4 stars). 7 submissions from 7 submitters: Uncertain significance (1); Likely benign (6). Last evaluated 2025-11-02.

Conditions:
Familial thoracic aortic aneurysm and aortic dissection (TAAD). Also called: Thoracic aortic aneurysms and dissections. Identifiers: Orphanet 91387, MedGen C4707243, MONDO:0019625.
Aortic aneurysm, familial thoracic 4 (AAT4). Also called: AORTIC ANEURYSM/AORTIC DISSECTION AND PATENT DUCTUS ARTERIOSUS. Identifiers: MedGen C1851504, MONDO:0007568, OMIM 132900.
MYH11-related disorder. Also called: MYH11-related condition.

Allele frequency attached by ClinVar (database versions not stated): gnomAD 0.00001; ExAC 0.00002; gnomAD exomes 0.00002; TOPMed 0.00002; ESP Exome Variant Server 0.00008.
gnomAD v4.1: 28 of 1,614,084 alleles (0.0017%); highest among the groups gnomAD compares: Non-Finnish European, 0.0023%; no homozygotes.

Submissions (7):

Labcorp Genetics (formerly Invitae), Labcorp
Classification: Likely benign for Aortic aneurysm, familial thoracic 4. Last evaluated: 2025-11-02. Review status: criteria provided, single submitter. Criteria: Invitae Variant Classification Sherloc (09022015). Collection method: clinical testing. Allele origin: germline.

PreventionGenetics, part of Exact Sciences
Classification: Likely benign for MYH11-related condition. Last evaluated: 2025-10-14. Review status: criteria provided, single submitter. Criteria: ACMG Guidelines, 2015. Collection method: clinical testing. Allele origin: germline.
Comment: This variant is classified as likely benign based on ACMG/AMP sequence variant interpretation guidelines (Richards et al. 2015 PMID: 25741868, with internal and published modifications).

All of Us Research Program, National Institutes of Health
Classification: Likely benign for Familial thoracic aortic aneurysm and aortic dissection. Last evaluated: 2024-01-11. Review status: criteria provided, single submitter. Criteria: ACMG Guidelines, 2015. Collection method: clinical testing. Allele origin: germline. Inheritance: Autosomal dominant inheritance. Observed: 5 variant alleles, 5 heterozygotes.
Comment: This study involves interpretation of variants in research participants for the purpose of population health screening. Participant phenotype was not available at the time of variant classification. Additional details can be found in publication PMID: 35346344, PMCID: PMC8962531

Ambry Genetics
Classification: Likely benign for Familial thoracic aortic aneurysm and aortic dissection. Last evaluated: 2023-11-10. Review status: criteria provided, single submitter. Criteria: Ambry Variant Classification Scheme 2023. Collection method: clinical testing. Allele origin: germline.

CeGaT Center for Human Genetics Tuebingen
Classification: Likely benign. Last evaluated: 2023-01-01. Review status: criteria provided, single submitter. Criteria: CeGaT Center For Human Genetics Tuebingen Variant Classification Criteria Version 2. Collection method: clinical testing. Allele origin: germline. Affected: yes. Observed: 1 variant allele.
Comment: MYH11: BP4, BP7

Color Diagnostics, LLC DBA Color Health
Classification: Likely benign for Familial thoracic aortic aneurysm and aortic dissection. Last evaluated: 2019-03-07. Review status: criteria provided, single submitter. Criteria: ACMG Guidelines, 2015. Collection method: clinical testing. Allele origin: germline.

Illumina Laboratory Services, Illumina
Classification: Uncertain significance for Aortic aneurysm, familial thoracic 4. Last evaluated: 2018-01-13. Review status: criteria provided, single submitter. Criteria: ICSL Variant Classification Criteria 13 December 2019. Collection method: clinical testing. Allele origin: germline.

NM_002474.3(MYH11):c.465C>T (p.Tyr155=)

Gene: MYH11 (myosin heavy chain 11; minus strand). Cytogenetic location: 16p13.11.
Variant type: single nucleotide variant.
Coding change: c.465C>T on transcript NM_002474.3 (MANE Select); coding-DNA position 465, C replaced by T.
Protein change: p.Tyr155=; no amino-acid change (tyrosine 155 retained).
Molecular consequence: synonymous variant.
Genome position (GRCh38, 1-based): chr16:15,823,292, G>A on the plus strand (C>T on the coding strand, the complement: MYH11 is on the minus strand). VCF-style: chr16-15823292-G-A. GRCh37 (hg19) VCF-style: chr16-15917149-G-A.
Other names: c.465C>T, p.Tyr155= (NM_001040113.2, NM_001040114.2, NM_022844.3).
Identifiers: ClinVar variation 318177 (VCV000318177.37), dbSNP rs145810355, ClinGen allele CA7923042.